The following is an entry in ClinVar:

ClinVar aggregate classification (germline): Likely benign (0 of 4 stars; one submission).

Conditions:
GGNBP2-related disorder. Also called: GGNBP2-related condition.

Allele frequency attached by ClinVar (database versions not stated): gnomAD exomes 0.00011; ExAC 0.00026; 1000 Genomes Project 0.00060; ESP Exome Variant Server 0.00069; gnomAD 0.00075; TOPMed 0.00079; 1000 Genomes Project 30x 0.00094.
gnomAD v4.1: 286 of 1,614,086 alleles (0.018%); highest among the groups gnomAD compares: African/African-American, 0.2%; no homozygotes.

Submission:

PreventionGenetics, part of Exact Sciences
Classification: Likely benign for GGNBP2-related condition. Last evaluated: 2020-01-14. Review status: no assertion criteria provided. Collection method: clinical testing. Allele origin: germline.
Comment: This variant is classified as likely benign based on ACMG/AMP sequence variant interpretation guidelines (Richards et al. 2015 PMID: 25741868, with internal and published modifications).

NM_024835.5(GGNBP2):c.1857C>T (p.Ser619=)

Gene: GGNBP2 (gametogenetin binding protein 2; plus strand). Cytogenetic location: 17q12.
Variant type: single nucleotide variant.
Coding change: c.1857C>T on transcript NM_024835.5 (MANE Select); coding-DNA position 1857, C replaced by T.
Protein change: p.Ser619=; no amino-acid change (serine 619 retained).
Molecular consequence: synonymous variant.
Genome position (GRCh38, 1-based): chr17:36,587,212, C>T. VCF-style: chr17-36587212-C-T. GRCh37 (hg19) VCF-style: chr17-34943642-C-T.
Identifiers: ClinVar variation 3049821 (VCV003049821.2), dbSNP rs142994076, ClinGen allele CA8512920.